The following is an entry in ClinVar:

ClinVar aggregate classification (germline): Likely benign (1 of 4 stars; one submission).

Allele frequency attached by ClinVar (database versions not stated): TOPMed 0.00001.

Submission:

GeneDx
Classification: Likely benign. Last evaluated: 2018-04-19. Review status: criteria provided, single submitter. Criteria: GeneDx Variant Classification (06012015). Collection method: clinical testing. Allele origin: germline. Affected: yes.
Comment: This variant is considered likely benign or benign based on one or more of the following criteria: it is a conservative change, it occurs at a poorly conserved position in the protein, it is predicted to be benign by multiple in silico algorithms, and/or has population frequency not consistent with disease.

NM_001267550.2(TTN):c.67984A>T (p.Thr22662Ser)

Genes: TTN (titin; minus strand), TTN-AS1 (TTN antisense RNA 1; plus strand), LOC126806423 (CDK7 strongly-dependent group 2 enhancer GRCh37_chr2:179443309-179444508; plus strand). Cytogenetic location: 2q31.2.
Variant type: single nucleotide variant.
Coding change: c.67984A>T on transcript NM_001267550.2 (MANE Select); coding-DNA position 67984, A replaced by T.
Protein change: p.Thr22662Ser; replaces threonine 22662 with serine.
Molecular consequence: missense variant.
Genome position (GRCh38, 1-based): chr2:178,579,046, T>A on the plus strand (A>T on the coding strand, the complement: TTN is on the minus strand). VCF-style: chr2-178579046-T-A. GRCh37 (hg19) VCF-style: chr2-179443773-T-A.
Other names: c.63061A>T, p.Thr21021Ser (NM_001256850.1); c.40789A>T, p.Thr13597Ser (NM_003319.4); c.60280A>T, p.Thr20094Ser (NM_133378.4); c.41164A>T, p.Thr13722Ser (NM_133432.3); c.41365A>T, p.Thr13789Ser (NM_133437.4); short protein forms T20094S, T13789S, T22662S, T13597S, T13722S, T21021S.
Identifiers: ClinVar variation 682085 (VCV000682085.1), dbSNP rs1484148632, ClinGen allele CA349422195.